The following is an entry in ClinVar:

NM_015271.5(TRIM2):c.1663C>T (p.Arg555Cys)

Gene: TRIM2 (tripartite motif containing 2; plus strand). Cytogenetic location: 4q31.3.
Variant type: single nucleotide variant.
Coding change: c.1663C>T on transcript NM_015271.5 (MANE Select); coding-DNA position 1663, C replaced by T.
Protein change: p.Arg555Cys; replaces arginine 555 with cysteine.
Molecular consequence: missense variant.
Genome position (GRCh38, 1-based): chr4:153,315,880, C>T. VCF-style: chr4-153315880-C-T. GRCh37 (hg19) VCF-style: chr4-154237032-C-T.
Other names: c.1582C>T, p.Arg528Cys (NM_001130067.2, NM_001351056.2, NM_001375512.1 and 5 more transcripts); c.1636C>T, p.Arg546Cys (NM_001351054.2); c.1633C>T, p.Arg545Cys (NM_001351055.2); c.1207C>T, p.Arg403Cys (NM_001351057.2); c.1756C>T, p.Arg586Cys (NM_001375488.1); c.1753C>T, p.Arg585Cys (NM_001375489.1); c.1606C>T, p.Arg536Cys (NM_001375490.1); c.1603C>T, p.Arg535Cys (NM_001375491.1); and 3 more; short protein forms R403C, R442C, R443C, R444C, R528C, R535C, R536C, R545C.
Identifiers: ClinVar variation 1177505 (VCV001177505.10), dbSNP rs2149528038, ClinGen allele CA358468046.

ClinVar aggregate classification (germline): Uncertain significance (1 of 4 stars; one submission).

Conditions:
Charcot-Marie-Tooth disease type 2R. Also called: CHARCOT-MARIE-TOOTH NEUROPATHY, TYPE 2R; CHARCOT-MARIE-TOOTH DISEASE, AXONAL, AUTOSOMAL RECESSIVE, TYPE 2R; Charcot-Marie-Tooth disease, axonal, type 2R. Identifiers: Orphanet 397968, MedGen C3809655, MONDO:0014208, OMIM 615490.

gnomAD v4.1: 5 of 1,614,098 alleles (0.00031%); highest among the groups gnomAD compares: Non-Finnish European, 0.00034%; no homozygotes.

Submission:

Labcorp Genetics (formerly Invitae), Labcorp
Classification: Uncertain significance for Charcot-Marie-Tooth disease type 2R. Last evaluated: 2022-01-02. Review status: criteria provided, single submitter. Criteria: Invitae Variant Classification Sherloc (09022015). Collection method: clinical testing. Allele origin: germline.
Comment: In summary, the available evidence is currently insufficient to determine the role of this variant in disease. Therefore, it has been classified as a Variant of Uncertain Significance. Algorithms developed to predict the effect of missense changes on protein structure and function are either unavailable or do not agree on the potential impact of this missense change (SIFT: "Deleterious"; PolyPhen-2: "Probably Damaging"; Align-GVGD: "Class C0"). ClinVar contains an entry for this variant (Variation ID: 1177505). This variant has not been reported in the literature in individuals affected with TRIM2-related conditions. This variant is not present in population databases (gnomAD no frequency). This sequence change replaces arginine, which is basic and polar, with cysteine, which is neutral and slightly polar, at codon 528 of the TRIM2 protein (p.Arg528Cys).